The following is an entry in ClinVar:

NM_024675.4(PALB2):c.903del (p.Asp301fs)

Gene: PALB2 (partner and localizer of BRCA2; minus strand). Cytogenetic location: 16p12.2.
Variant type: Deletion.
Coding change: c.903del on transcript NM_024675.4 (MANE Select); coding-DNA position 903, one base deleted (T; older notation c.903delT).
Protein change: p.Asp301fs; shifts the reading frame from aspartic acid 301.
Molecular consequence: frameshift variant.
Genome position (GRCh38, 1-based): chr16:23,635,643, A deleted on the plus strand (T on the coding strand, the reverse complement: PALB2 is on the minus strand). VCF-style (leftmost placement, unchanged base first): chr16-23635642-TA-T. GRCh37 (hg19) VCF-style: chr16-23646963-TA-T.
Other names: c.18delT, p.Asp6Glufs (NM_001407305.1, NM_001407306.1, NM_001407308.1 and 5 more transcripts); c.843delT, p.Asp281Glufs (NM_001407296.1); c.903delT, p.Asp301Glufs (NM_001407297.1, NM_001407298.1, NM_001407299.1 and 3 more transcripts); short protein forms D301fs.
Identifiers: ClinVar variation 1765565 (VCV001765565.2), dbSNP rs2506496202, ClinGen allele CA2580091332.

ClinVar aggregate classification (germline): Pathogenic (1 of 4 stars; one submission).

Conditions:
Hereditary cancer-predisposing syndrome. Also called: Neoplastic Syndromes, Hereditary; Tumor predisposition; Hereditary Cancer Syndrome; Hereditary neoplastic syndrome. Identifiers: Orphanet 140162, MedGen C0027672, MeSH D009386, MONDO:0015356.

Submission:

Ambry Genetics
Classification: Pathogenic for Hereditary cancer-predisposing syndrome. Last evaluated: 2021-04-23. Review status: criteria provided, single submitter. Criteria: Ambry Variant Classification Scheme 2023. Collection method: clinical testing. Allele origin: germline.
Comment: The c.903delT pathogenic mutation, located in coding exon 4 of the PALB2 gene, results from a deletion of one nucleotide at nucleotide position 903, causing a translational frameshift with a predicted alternate stop codon (p.D301Efs*5). This variant is considered to be rare based on population cohorts in the Genome Aggregation Database (gnomAD). This alteration is expected to result in loss of function by premature protein truncation or nonsense-mediated mRNA decay. As such, this alteration is interpreted as a disease-causing mutation. This nucleotide position is well conserved in available vertebrate species.